The following is an entry in ClinVar:

NM_000127.3(EXT1):c.2191G>C (p.Asp731His)

Gene: EXT1 (exostosin glycosyltransferase 1; minus strand). Cytogenetic location: 8q24.11.
Variant type: single nucleotide variant.
Coding change: c.2191G>C on transcript NM_000127.3 (MANE Select); coding-DNA position 2191, G replaced by C.
Protein change: p.Asp731His; replaces aspartic acid 731 with histidine.
Molecular consequence: missense variant.
Genome position (GRCh38, 1-based): chr8:117,799,762, C>G on the plus strand (G>C on the coding strand, the complement: EXT1 is on the minus strand). VCF-style: chr8-117799762-C-G. GRCh37 (hg19) VCF-style: chr8-118812001-C-G.
Other names: short protein forms D731H.
Identifiers: ClinVar variation 1312273 (VCV001312273.3), dbSNP rs2129679539, ClinGen allele CA371889746.

ClinVar aggregate classification (germline): Uncertain significance (1 of 4 stars; one submission).

Submission:

GeneDx
Classification: Uncertain significance. Last evaluated: 2025-10-09. Review status: criteria provided, single submitter. Criteria: GeneDx Variant Classification Process June 2021. Collection method: clinical testing. Allele origin: germline. Affected: yes.
Comment: De novo variant with confirmed parentage in a patient in published literature from a cohort of individuals with developmental disorders; however, detailed clinical information was not provided (PMID: 33057194); Not observed at significant frequency in large population cohorts (gnomAD); In silico analysis supports that this missense variant has a deleterious effect on protein structure/function; This variant is associated with the following publications: (PMID: 35982159, 33057194)